The following is an entry in ClinVar:

ClinVar aggregate classification (germline): Uncertain significance (1 of 4 stars; one submission).

Conditions:
Fibrous dysplasia of jaw (CRBM). Also called: Cherubism. Identifiers: Orphanet 184, MedGen C0008029, MONDO:0007315, OMIM 118400.

gnomAD v4.1: 1 of 1,611,532 alleles (0.000062%); highest among the groups gnomAD compares: Non-Finnish European, 0.000085%; no homozygotes.

Submission:

Labcorp Genetics (formerly Invitae), Labcorp
Classification: Uncertain significance for Fibrous dysplasia of jaw. Last evaluated: 2019-04-10. Review status: criteria provided, single submitter. Criteria: Invitae Variant Classification Sherloc (09022015). Collection method: clinical testing. Allele origin: germline.
Comment: The current clinical and genetic evidence is not sufficient to establish whether loss-of-function variants in SH3BP2 cause disease. This sequence change affects an acceptor splice site in intron 3 of the SH3BP2 gene. It is expected to disrupt RNA splicing and likely results in an absent or disrupted protein product. This variant is not present in population databases (ExAC no frequency). This variant has not been reported in the literature in individuals with SH3BP2-related disease. In summary, the available evidence is currently insufficient to determine the role of this variant in disease. Therefore, it has been classified as a Variant of Uncertain Significance.

NM_001122681.2(SH3BP2):c.240-1G>A

Gene: SH3BP2 (SH3 domain binding protein 2; plus strand). Cytogenetic location: 4p16.3.
Variant type: single nucleotide variant.
Coding change: c.240-1G>A on transcript NM_001122681.2 (MANE Select); the canonical splice acceptor site of the intron before coding-DNA position 240, G replaced by A.
Molecular consequence: splice acceptor variant.
Genome position (GRCh38, 1-based): chr4:2,824,612, G>A. VCF-style: chr4-2824612-G-A. GRCh37 (hg19) VCF-style: chr4-2826339-G-A.
Other names: c.324-1G>A (NM_001145855.2); c.411-1G>A (NM_001145856.2); c.240-1G>A (NM_003023.4).
Identifiers: ClinVar variation 578245 (VCV000578245.9), dbSNP rs1560106586, ClinGen allele CA356053665.